The following is an entry in ClinVar:

ClinVar aggregate classification (germline): Pathogenic (1 of 4 stars; one submission).

Submission:

Labcorp Genetics (formerly Invitae), Labcorp
Classification: Pathogenic. Last evaluated: 2023-08-27. Review status: criteria provided, single submitter. Criteria: Invitae Variant Classification Sherloc (09022015). Collection method: clinical testing. Allele origin: germline.
Comment: For these reasons, this variant has been classified as Pathogenic. This variant has not been reported in the literature in individuals affected with C6-related conditions. This variant is not present in population databases (gnomAD no frequency). This sequence change creates a premature translational stop signal (p.Gln779*) in the C6 gene. It is expected to result in an absent or disrupted protein product. Loss-of-function variants in C6 are known to be pathogenic (PMID: 17257682).

Literature cited by the submitters: PubMed 17257682.

NM_000065.5(C6):c.2335C>T (p.Gln779Ter)

Gene: C6 (complement C6; minus strand). Cytogenetic location: 5p13.1.
Variant type: single nucleotide variant.
Coding change: c.2335C>T on transcript NM_000065.5 (MANE Select); coding-DNA position 2335, C replaced by T.
Protein change: p.Gln779Ter; replaces glutamine 779 with a stop codon.
Molecular consequence: nonsense.
Genome position (GRCh38, 1-based): chr5:41,149,981, G>A on the plus strand (C>T on the coding strand, the complement: C6 is on the minus strand). VCF-style: chr5-41149981-G-A. GRCh37 (hg19) VCF-style: chr5-41150083-G-A.
Other names: c.2335C>T, p.Gln779Ter (NM_001115131.4); short protein forms Q779*.
Identifiers: ClinVar variation 2755564 (VCV002755564.3), dbSNP rs754529564, ClinGen allele CA359594088.